The following is an entry in ClinVar:

NM_005188.4(CBL):c.591-1G>A

Gene: CBL (Cbl proto-oncogene; plus strand). Cytogenetic location: 11q23.3.
Variant type: single nucleotide variant.
Coding change: c.591-1G>A on transcript NM_005188.4 (MANE Select); the canonical splice acceptor site of the intron before coding-DNA position 591, G replaced by A.
Molecular consequence: splice acceptor variant.
Genome position (GRCh38, 1-based): chr11:119,273,867, G>A. VCF-style: chr11-119273867-G-A. GRCh37 (hg19) VCF-style: chr11-119144577-G-A.
Identifiers: ClinVar variation 5000955 (VCV005000955.1).

ClinVar aggregate classification (germline): Uncertain significance (1 of 4 stars; one submission).

Conditions:
CBL-related disorder. Also called: NOONAN SYNDROME-LIKE DISORDER WITHOUT JUVENILE MYELOMONOCYTIC LEUKEMIA; CBL MUTATION-ASSOCIATED SYNDROME; CBL SYNDROME. Identifiers: Orphanet 363972, MedGen C3150803, MONDO:0013308, OMIM 613563.

gnomAD v4.1: 1 of 1,613,644 alleles (0.000062%); highest among the groups gnomAD compares: Non-Finnish European, 0.000085%; no homozygotes.

Submission:

PreventionGenetics, part of Exact Sciences
Classification: Uncertain significance for CBL-related condition. Last evaluated: 2025-06-11. Review status: criteria provided, single submitter. Criteria: ACMG Guidelines, 2015. Collection method: clinical testing. Allele origin: germline.
Comment: The CBL c.591-1G>A variant is predicted to disrupt the AG splice acceptor site and interfere with normal splicing. This variant was reported in an individual with astrocytoma (Supplementary Table 2, Kim et al. 2021. PubMed ID: 34308104). This variant has not been reported in a large population database (gnomAD), indicating this variant is rare. Although we suspect that this variant may be pathogenic, at this time, the clinical significance of this variant is uncertain due to the absence of conclusive functional and genetic evidence.